The following is an entry in ClinVar:

NM_000173.7(GP1BA):c.1367C>T (p.Pro456Leu)

Gene: GP1BA (glycoprotein Ib platelet subunit alpha; plus strand). Cytogenetic location: 17p13.2.
Variant type: single nucleotide variant.
Coding change: c.1367C>T on transcript NM_000173.7 (MANE Select); coding-DNA position 1367, C replaced by T.
Protein change: p.Pro456Leu; replaces proline 456 with leucine.
Molecular consequence: missense variant.
Genome position (GRCh38, 1-based): chr17:4,933,971, C>T. VCF-style: chr17-4933971-C-T. GRCh37 (hg19) VCF-style: chr17-4837266-C-T.
Other names: short protein forms P456L.
Identifiers: ClinVar variation 4977266 (VCV004977266.1).

ClinVar aggregate classification (germline): Uncertain significance (1 of 4 stars; one submission).

Conditions:
GP1BA-related disorder. Also called: GP1BA-related condition.

Submission:

PreventionGenetics, part of Exact Sciences
Classification: Uncertain significance for GP1BA-related condition. Last evaluated: 2024-10-18. Review status: criteria provided, single submitter. Criteria: ACMG Guidelines, 2015. Collection method: clinical testing. Allele origin: germline.
Comment: The GP1BA c.1367C>T variant is predicted to result in the amino acid substitution p.Pro456Leu. To our knowledge, this variant has not been reported in the literature. This variant is reported in 0.018% of alleles in individuals of African descent in gnomAD. At this time, the clinical significance of this variant is uncertain due to the absence of conclusive functional and genetic evidence.